The following is an entry in ClinVar:

NM_006846.4(SPINK5):c.1302+16C>T

Gene: SPINK5 (serine peptidase inhibitor Kazal type 5; plus strand). Cytogenetic location: 5q32.
Variant type: single nucleotide variant.
Coding change: c.1302+16C>T on transcript NM_006846.4 (MANE Select); 16 bases into the intron after coding-DNA position 1302, C replaced by T.
Molecular consequence: intron variant.
Genome position (GRCh38, 1-based): chr5:148,101,452, C>T. VCF-style: chr5-148101452-C-T. GRCh37 (hg19) VCF-style: chr5-147481015-C-T.
Other names: c.1302+16C>T (NM_001127698.2, NM_001127699.2).
Identifiers: ClinVar variation 378641 (VCV000378641.12), dbSNP rs112708641, ClinGen allele CA3495542.

ClinVar aggregate classification (germline): Benign/Likely benign. Review status: criteria provided, multiple submitters, no conflicts (2 of 4 stars). 4 submissions from 4 submitters: Benign (1); Likely benign (3). Last evaluated 2026-01-26.

Conditions:
Ichthyosis linearis circumflexa. Identifiers: MedGen C0265962, MONDO:0043106, HP:0025810.

Allele frequency attached by ClinVar (database versions not stated): gnomAD exomes 0.00024 and 0.00050; ExAC 0.00061; 1000 Genomes Project 30x 0.00156; 1000 Genomes Project 0.00160; ESP Exome Variant Server 0.00208; gnomAD 0.00225 and 0.00241; TOPMed 0.00265.
gnomAD v4.1: 719 of 1,588,508 alleles (0.045%); highest among the groups gnomAD compares: African/African-American, 0.77%; 4 homozygotes.

Submissions (4):

Labcorp Genetics (formerly Invitae), Labcorp
Classification: Benign for Ichthyosis linearis circumflexa. Last evaluated: 2026-01-26. Review status: criteria provided, single submitter. Criteria: Invitae Variant Classification Sherloc (09022015). Collection method: clinical testing. Allele origin: germline.

Women's Health and Genetics/Laboratory Corporation of America, LabCorp
Classification: Likely benign. Last evaluated: 2026-01-22. Review status: criteria provided, single submitter. Criteria: LabCorp Variant Classification Summary - May 2015. Collection method: clinical testing. Allele origin: germline.

Blueprint Genetics
Classification: Likely benign. Last evaluated: 2023-12-14. Review status: criteria provided, single submitter. Criteria: ACMG Guidelines, 2015. Collection method: clinical testing. Allele origin: germline.

GeneDx
Classification: Likely benign. Last evaluated: 2016-03-22. Review status: criteria provided, single submitter. Criteria: GeneDx Variant Classification (06012015). Collection method: clinical testing. Allele origin: germline. Affected: yes.
Comment: This variant is considered likely benign or benign based on one or more of the following criteria: it is a conservative change, it occurs at a poorly conserved position in the protein, it is predicted to be benign by multiple in silico algorithms, and/or has population frequency not consistent with disease.